The following is an entry in ClinVar:

NM_001267550.2(TTN):c.53494_53496del (p.Glu17832del)

Genes: TTN (titin; minus strand), TTN-AS1 (TTN antisense RNA 1; plus strand). Cytogenetic location: 2q31.2.
Variant type: Deletion.
Coding change: c.53494_53496del on transcript NM_001267550.2 (MANE Select); coding-DNA positions 53494 to 53496, 3 bases deleted (GAA; older notation c.53494_53496delGAA).
Protein change: p.Glu17832del; deletes glutamic acid 17832.
Molecular consequence: inframe deletion.
Genome position (GRCh38, 1-based): chr2:178,607,106-178,607,108, TTC deleted on the plus strand (GAA on the coding strand, the reverse complement: TTN is on the minus strand); deleting any 3 consecutive bases within chr2:178,607,106-178,607,110 gives the same sequence; the c. name uses the placement nearest the transcript's 3' end. VCF-style (leftmost placement, unchanged base first): chr2-178607105-ATTC-A. GRCh37 (hg19) VCF-style: chr2-179471832-ATTC-A.
Other names: c.48571_48573del, p.Glu16191del (NM_001256850.1); c.26299_26301del, p.Glu8767del (NM_003319.4); c.45790_45792del, p.Glu15264del (NM_133378.4); c.26674_26676del, p.Glu8892del (NM_133432.3); c.26875_26877del, p.Glu8959del (NM_133437.4); c.26299_26301delGAA (NM_003319.4); short protein forms E15264del, E16191del, E17832del, E8767del, E8892del, E8959del.
Identifiers: ClinVar variation 3223229 (VCV003223229.1), dbSNP rs2470274700, ClinGen allele CA2825001050.
Genomic context (GRCh38, chr2:178,607,105, plus strand): 5'-GTCCTATTTCAACAGGAGGGCCACAGCCAAACTTGTTCTTGGCAATAACACGGAACTTAT[ATTC>A]TTGTCCCTCAAGCAGACCTGTGATGTCACATTTAGATCTCTCAGTCTCTATTGGTTGTCT-3'

ClinVar aggregate classification (germline): Uncertain significance (1 of 4 stars; one submission).

Conditions:
Cardiovascular phenotype. Identifiers: MedGen CN230736.

Submission:

Ambry Genetics
Classification: Uncertain significance for Cardiovascular phenotype. Last evaluated: 2023-09-25. Review status: criteria provided, single submitter. Criteria: Ambry Variant Classification Scheme 2023. Collection method: clinical testing. Allele origin: germline.
Comment: The c.26299_26301delGAA variant (also known as p.E8767del) is located in coding exon 105 of the TTN gene. This variant results from an in-frame GAA deletion at nucleotide positions 26299 to 26301. This results in the in-frame deletion of a glutamic acid at codon 8767. This amino acid position is highly conserved in available vertebrate species. In addition, this alteration is predicted to be deleterious by in silico analysis (Choi Y et al. PLoS ONE. 2012; 7(10):e46688). Since supporting evidence is limited at this time, the clinical significance of this alteration remains unclear.